The following is an entry in ClinVar:

ClinVar aggregate classification (germline): Uncertain significance (1 of 4 stars; one submission).

Conditions:
Nemaline myopathy 2 (NEM2). Also called: Nemaline myopathy 2, autosomal recessive. Identifiers: MedGen C1850569, MONDO:0009725, OMIM 256030.

gnomAD v4.1: 1 of 1,613,978 alleles (0.000062%); highest among the groups gnomAD compares: Non-Finnish European, 0.000085%; no homozygotes.

Submission:

Labcorp Genetics (formerly Invitae), Labcorp
Classification: Uncertain significance for Nemaline myopathy 2. Last evaluated: 2022-09-01. Review status: criteria provided, single submitter. Criteria: Invitae Variant Classification Sherloc (09022015). Collection method: clinical testing. Allele origin: germline.
Comment: This sequence change replaces serine, which is neutral and polar, with glycine, which is neutral and non-polar, at codon 3658 of the NEB protein (p.Ser3658Gly). This variant is not present in population databases (gnomAD no frequency). This variant has not been reported in the literature in individuals affected with NEB-related conditions. ClinVar contains an entry for this variant (Variation ID: 1523912). Algorithms developed to predict the effect of missense changes on protein structure and function are either unavailable or do not agree on the potential impact of this missense change (SIFT: "Deleterious"; PolyPhen-2: "Not Available"; Align-GVGD: "Class C0"). In summary, the available evidence is currently insufficient to determine the role of this variant in disease. Therefore, it has been classified as a Variant of Uncertain Significance.

NM_001164508.2(NEB):c.10972A>G (p.Ser3658Gly)

Gene: NEB (nebulin; minus strand). Cytogenetic location: 2q23.3.
Variant type: single nucleotide variant.
Coding change: c.10972A>G on transcript NM_001164508.2 (MANE Select); coding-DNA position 10972, A replaced by G.
Protein change: p.Ser3658Gly; replaces serine 3658 with glycine.
Molecular consequence: missense variant.
Genome position (GRCh38, 1-based): chr2:151,618,379, T>C on the plus strand (A>G on the coding strand, the complement: NEB is on the minus strand). VCF-style: chr2-151618379-T-C. GRCh37 (hg19) VCF-style: chr2-152474893-T-C.
Other names: c.10972A>G, p.Ser3658Gly (NM_001164507.2, NM_001271208.2); c.10243A>G, p.Ser3415Gly (NM_004543.5); short protein forms S3658G, S3415G.
Identifiers: ClinVar variation 1523912 (VCV001523912.5), dbSNP rs2154016610, ClinGen allele CA348786195.